The following is an entry in ClinVar:

NM_021942.6(TRAPPC11):c.1650A>T (p.Glu550Asp)

Gene: TRAPPC11 (trafficking protein particle complex subunit 11; plus strand). Cytogenetic location: 4q35.1.
Variant type: single nucleotide variant.
Coding change: c.1650A>T on transcript NM_021942.6 (MANE Select); coding-DNA position 1650, A replaced by T.
Protein change: p.Glu550Asp; replaces glutamic acid 550 with aspartic acid.
Molecular consequence: missense variant.
Genome position (GRCh38, 1-based): chr4:183,685,291, A>T. VCF-style: chr4-183685291-A-T. GRCh37 (hg19) VCF-style: chr4-184606444-A-T.
Other names: c.1650A>T, p.Glu550Asp (NM_199053.3); short protein forms E550D.
Identifiers: ClinVar variation 1381423 (VCV001381423.6), dbSNP rs2111367892, ClinGen allele CA358868165.

ClinVar aggregate classification (germline): Uncertain significance (1 of 4 stars; one submission).

Conditions:
Autosomal recessive limb-girdle muscular dystrophy type R18 (LGMDR18). Also called: Limb-girdle muscular dystrophy, type 2S; MUSCULAR DYSTROPHY, LIMB-GIRDLE, AUTOSOMAL RECESSIVE 18; Autosomal recessive limb-girdle muscular dystrophy type 2S. Identifiers: Orphanet 369840, MedGen C4517996, MONDO:0014144, OMIM 615356.

Submission:

Labcorp Genetics (formerly Invitae), Labcorp
Classification: Uncertain significance for Autosomal recessive limb-girdle muscular dystrophy type R18. Last evaluated: 2024-01-15. Review status: criteria provided, single submitter. Criteria: Invitae Variant Classification Sherloc (09022015). Collection method: clinical testing. Allele origin: germline.
Comment: This sequence change replaces glutamic acid, which is acidic and polar, with aspartic acid, which is acidic and polar, at codon 550 of the TRAPPC11 protein (p.Glu550Asp). This variant is not present in population databases (gnomAD no frequency). This variant has not been reported in the literature in individuals affected with TRAPPC11-related conditions. ClinVar contains an entry for this variant (Variation ID: 1381423). Advanced modeling of protein sequence and biophysical properties (such as structural, functional, and spatial information, amino acid conservation, physicochemical variation, residue mobility, and thermodynamic stability) performed at Invitae indicates that this missense variant is expected to disrupt TRAPPC11 protein function with a positive predictive value of 80%. In summary, the available evidence is currently insufficient to determine the role of this variant in disease. Therefore, it has been classified as a Variant of Uncertain Significance.